The following is an entry in ClinVar:

NM_130837.3(OPA1):c.2902G>T (p.Val968Leu)

Gene: OPA1 (OPA1 mitochondrial dynamin like GTPase; plus strand). Cytogenetic location: 3q29.
Variant type: single nucleotide variant.
Coding change: c.2902G>T on transcript NM_130837.3 (MANE Select); coding-DNA position 2902, G replaced by T.
Protein change: p.Val968Leu; replaces valine 968 with leucine.
Molecular consequence: missense variant.
Genome position (GRCh38, 1-based): chr3:193,667,199, G>T. VCF-style: chr3-193667199-G-T. GRCh37 (hg19) VCF-style: chr3-193384988-G-T.
Other names: c.2368G>T, p.Val790Leu (NM_001354663.2); c.2365G>T, p.Val789Leu (NM_001354664.2); c.2737G>T, p.Val913Leu (NM_015560.3); c.2629G>T, p.Val877Leu (NM_130831.3); c.2683G>T, p.Val895Leu (NM_130832.3); c.2740G>T, p.Val914Leu (NM_130833.3); c.2791G>T, p.Val931Leu (NM_130834.3); c.2794G>T, p.Val932Leu (NM_130835.3); and 1 more; short protein forms V913L, V968L, V932L, V950L, V877L, V914L, V931L, V789L.
Identifiers: ClinVar variation 214915 (VCV000214915.2), dbSNP rs863224139, ClinGen allele CA324611.

ClinVar aggregate classification (germline): Uncertain significance (1 of 4 stars; one submission).

Submission:

GeneDx
Classification: Uncertain significance. Last evaluated: 2014-06-24. Review status: criteria provided, single submitter. Criteria: GeneDx Variant Classification (06012015). Collection method: clinical testing. Allele origin: germline. Affected: yes.
Comment: .p.Val913Leu (GTA>TTA): c.2737 G>T in exon 27 of the OPA1 gene (NM_015560.2). The V913L variant has not been published as a mutation, nor has it been reported as a benign polymorphism to our knowledge. The V913L variant was not observed in approximately 6500 individuals of European and African American ancestry in the NHLBI Exome Sequencing Project, indicating it is not a common benign variant in these populations. The V913L variant is a conservative amino acid substitution, which is not likely to impact secondary protein structure as these residues share similar properties. This substitution occurs at a position that is conserved across species. In silico analysis predicts this variant likely does not alter the protein structure/function. A missense mutation in a nearby residue (V910D) has been reported in association with optic atrophy type 1, supporting the functional importance of this region of the protein. Therefore, based on the currently available information, it is unclear whether this variant is a pathogenic mutation or a rare benign variant. The variant is found in MITONUC-MITOP panel(s).